The following is an entry in ClinVar:

NM_014780.5(CUL7):c.869G>T (p.Gly290Val)

Gene: CUL7 (cullin 7; minus strand). Cytogenetic location: 6p21.1.
Variant type: single nucleotide variant.
Coding change: c.869G>T on transcript NM_014780.5 (MANE Select); coding-DNA position 869, G replaced by T.
Protein change: p.Gly290Val; replaces glycine 290 with valine.
Molecular consequence: missense variant.
Genome position (GRCh38, 1-based): chr6:43,051,332, C>A on the plus strand (G>T on the coding strand, the complement: CUL7 is on the minus strand). VCF-style: chr6-43051332-C-A. GRCh37 (hg19) VCF-style: chr6-43019070-C-A.
Other names: c.965G>T, p.Gly322Val (NM_001168370.2, NM_001374872.1); c.869G>T, p.Gly290Val (NM_001374873.1, NM_001374874.1); c.869G>T (NM_014780.4); short protein forms G290V, G322V.
Identifiers: ClinVar variation 1911584 (VCV001911584.6), dbSNP rs766197469, ClinGen allele CA3814279.

ClinVar aggregate classification (germline): Uncertain significance. Review status: criteria provided, multiple submitters, no conflicts (2 of 4 stars). 2 submissions from 2 submitters: Uncertain significance (2). Last evaluated 2025-03-07.

Conditions:
Inborn genetic diseases. Identifiers: MedGen C0950123, MeSH D030342.

Allele frequency attached by ClinVar (database versions not stated): ExAC 0.00001; gnomAD 0.00001; gnomAD exomes 0.00001.
gnomAD v4.1: 17 of 1,610,924 alleles (0.0011%); highest among the groups gnomAD compares: Admixed American, 0.0033%; no homozygotes.

Submissions (2):

Ambry Genetics
Classification: Uncertain significance for Inborn genetic diseases. Last evaluated: 2025-03-07. Review status: criteria provided, single submitter. Criteria: Ambry Variant Classification Scheme 2023. Collection method: clinical testing. Allele origin: germline.

Labcorp Genetics (formerly Invitae), Labcorp
Classification: Uncertain significance. Last evaluated: 2022-03-01. Review status: criteria provided, single submitter. Criteria: Invitae Variant Classification Sherloc (09022015). Collection method: clinical testing. Allele origin: germline.
Comment: This sequence change replaces glycine, which is neutral and non-polar, with valine, which is neutral and non-polar, at codon 290 of the CUL7 protein (p.Gly290Val). This variant is present in population databases (rs766197469, gnomAD 0.003%). This variant has not been reported in the literature in individuals affected with CUL7-related conditions. Algorithms developed to predict the effect of missense changes on protein structure and function (SIFT, PolyPhen-2, Align-GVGD) all suggest that this variant is likely to be tolerated. In summary, the available evidence is currently insufficient to determine the role of this variant in disease. Therefore, it has been classified as a Variant of Uncertain Significance.